The following is an entry in ClinVar:

NM_003489.4(NRIP1):c.3443G>A (p.Gly1148Glu)

Gene: NRIP1 (nuclear receptor interacting protein 1; minus strand). Cytogenetic location: 21q11.2.
Variant type: single nucleotide variant.
Coding change: c.3443G>A on transcript NM_003489.4 (MANE Select); coding-DNA position 3443, G replaced by A.
Protein change: p.Gly1148Glu; replaces glycine 1148 with glutamic acid.
Molecular consequence: missense variant.
Genome position (GRCh38, 1-based): chr21:14,964,750, C>T on the plus strand (G>A on the coding strand, the complement: NRIP1 is on the minus strand). VCF-style: chr21-14964750-C-T. GRCh37 (hg19) VCF-style: chr21-16337071-C-T.
Other names: c.3443G>A (NM_003489.3); short protein forms G1148E.
Identifiers: ClinVar variation 2904756 (VCV002904756.4), dbSNP rs1243009796, ClinGen allele CA409825679.
Genomic context (GRCh38, chr21:14,964,750, plus strand): 5'-ATCCAAAACTGGATGGCAGGTACATTTTATTCTGATTCTTTCTTTATCGTTAGCACGCTT[C>T]CCAGAAGTCCATAAACTTCTCCATTTGCGCTGTGTGGGCGAGAAGCATTATTTCCCATAT-3'
Protein context (NP_003480.2, residues 1138-1158): SANGEVYGLL[Gly1148Glu]SVLTIKKESE

ClinVar aggregate classification (germline): Uncertain significance. Review status: criteria provided, multiple submitters, no conflicts (2 of 4 stars). 2 submissions from 2 submitters: Uncertain significance (2). Last evaluated 2024-04-25.

Conditions:
Inborn genetic diseases. Identifiers: MedGen C0950123, MeSH D030342.

Allele frequency attached by ClinVar (database versions not stated): gnomAD exomes 0.00001; gnomAD 0.00003; TOPMed 0.00005.
gnomAD v4.1: 9 of 1,571,918 alleles (0.00057%); highest among the groups gnomAD compares: Admixed American, 0.016%; no homozygotes.

Submissions (2):

Labcorp Genetics (formerly Invitae), Labcorp
Classification: Uncertain significance. Last evaluated: 2024-04-25. Review status: criteria provided, single submitter. Criteria: Invitae Variant Classification Sherloc (09022015). Collection method: clinical testing. Allele origin: germline.
Comment: This sequence change replaces glycine, which is neutral and non-polar, with glutamic acid, which is acidic and polar, at codon 1148 of the NRIP1 protein (p.Gly1148Glu). This variant is present in population databases (no rsID available, gnomAD 0.004%). This variant has not been reported in the literature in individuals affected with NRIP1-related conditions. Algorithms developed to predict the effect of missense changes on protein structure and function output the following: SIFT: "Not Available"; PolyPhen-2: "Benign"; Align-GVGD: "Not Available". The glutamic acid amino acid residue is found in multiple mammalian species, which suggests that this missense change does not adversely affect protein function. In summary, the available evidence is currently insufficient to determine the role of this variant in disease. Therefore, it has been classified as a Variant of Uncertain Significance.

Ambry Genetics
Classification: Uncertain significance for Inborn genetic diseases. Last evaluated: 2023-12-09. Review status: criteria provided, single submitter. Criteria: Ambry Variant Classification Scheme 2023. Collection method: clinical testing. Allele origin: germline.